The following is an entry in ClinVar:

NM_001267550.2(TTN):c.17604del (p.Lys5868fs)

Genes: TTN (titin; minus strand), LOC126806431 (CDK7 strongly-dependent group 2 enhancer GRCh37_chr2:179595719-179596918; plus strand). Cytogenetic location: 2q31.2.
Variant type: Deletion.
Coding change: c.17604del on transcript NM_001267550.2 (MANE Select); coding-DNA position 17604, one base deleted (A; older notation c.17604delA).
Protein change: p.Lys5868fs; shifts the reading frame from lysine 5868.
Molecular consequence: frameshift variant. On other transcripts: intron variant (3).
Genome position (GRCh38, 1-based): chr2:178,731,061, T deleted on the plus strand (A on the coding strand, the reverse complement: TTN is on the minus strand); the first of 4 consecutive T bases (chr2:178,731,061-178,731,064); deleting any one gives the same sequence. VCF-style (leftmost placement, unchanged base first): chr2-178731060-AT-A. GRCh37 (hg19) VCF-style: chr2-179595787-AT-A.
Other names: c.16653del, p.Lys5551fs (NM_001256850.1); c.13872del, p.Lys4624fs (NM_133378.4); c.13282+7021del (NM_003319.4); c.13858+7021del (NM_133437.4); c.13657+7021del (NM_133432.3); short protein forms K4624fs, K5551fs, K5868fs.
Identifiers: ClinVar variation 3757360 (VCV003757360.2).

ClinVar aggregate classification (germline): Likely pathogenic (1 of 4 stars; one submission).

Conditions:
Dilated cardiomyopathy 1G (CMD1G). Identifiers: Orphanet 154, MedGen C1858763, MONDO:0011400, OMIM 604145.
Autosomal recessive limb-girdle muscular dystrophy type 2J (LGMDR10). Also called: Limb-girdle muscular dystrophy, type 2J; MUSCULAR DYSTROPHY, LIMB-GIRDLE, AUTOSOMAL RECESSIVE 10. Identifiers: Orphanet 140922, MedGen C1837342, MONDO:0012127, OMIM 608807.

Submission:

Labcorp Genetics (formerly Invitae), Labcorp
Classification: Likely pathogenic for Dilated cardiomyopathy 1G; Autosomal recessive limb-girdle muscular dystrophy type 2J. Last evaluated: 2024-07-23. Review status: criteria provided, single submitter. Criteria: Invitae Variant Classification Sherloc (09022015). Collection method: clinical testing. Allele origin: germline.
Comment: This sequence change creates a premature translational stop signal (p.Lys5868Asnfs*13) in the TTN gene. While this is not anticipated to result in nonsense mediated decay, it is expected to create a truncated TTN protein. This variant is not present in population databases (gnomAD no frequency). This variant has not been observed in the literature in individuals with autosomal recessive TTN-related conditions. This variant has been reported in individual(s) with dilated cardiomyopathy (Invitae); however, the role of the variant in this condition is currently unclear. Algorithms developed to predict the effect of sequence changes on RNA splicing suggest that this variant may disrupt the consensus splice site. This variant is located in the I band of TTN (PMID: 25589632). Truncating variants in this region have been reported in individuals affected with autosomal recessive centronuclear myopathy (PMID: 23975875, Invitae internal data). Truncating variants in this region have also been identified in individuals affected with autosomal dominant dilated cardiomyopathy and/or cardio-related conditions (PMID: 27869827, 32964742, Invitae internal data). In summary, the currently available evidence indicates that the variant is pathogenic, but additional data are needed to prove that conclusively. Therefore, this variant has been classified as Likely Pathogenic.

Literature cited by the submitters: PubMed 25589632; PubMed 23975875; PubMed 27869827; PubMed 32964742.